The following is an entry in ClinVar:

NM_001102401.4(TTI2):c.585A>G (p.Glu195=)

Gene: TTI2 (TELO2 interacting protein 2; minus strand). Cytogenetic location: 8p12.
Variant type: single nucleotide variant.
Coding change: c.585A>G on transcript NM_001102401.4 (MANE Select); coding-DNA position 585, A replaced by G.
Protein change: p.Glu195=; no amino-acid change (glutamic acid 195 retained).
Molecular consequence: synonymous variant.
Genome position (GRCh38, 1-based): chr8:33,512,029, T>C on the plus strand (A>G on the coding strand, the complement: TTI2 is on the minus strand). VCF-style: chr8-33512029-T-C. GRCh37 (hg19) VCF-style: chr8-33369547-T-C.
Other names: c.585A>G, p.Glu195= (NM_001265581.2, NM_001330505.3, NM_025115.5).
Identifiers: ClinVar variation 3052742 (VCV003052742.8), dbSNP rs773321743, ClinGen allele CA4707318.
Genomic context (GRCh38, chr8:33,512,029, plus strand): 5'-ATACAAGTCGGGTTTGAGAAGCCCTAGTATCACCGAAAGTCTCCCTTTCTCATCTTCATT[T>C]TCTCCATGTAGGAATCCTGCCACAGAACCGCATTCAGTAACTTGAAGCAGTGAGGTGAGC-3'
Protein context (NP_001095871.1, residues 185-205): CGSVAGFLHG[Glu195=]NEDEKGRLSV

ClinVar aggregate classification (germline): Likely benign. Review status: criteria provided, single submitter (1 of 4 stars). 2 submissions from 2 submitters: Likely benign (1). 1 of the submissions does not count toward it. Last evaluated 2025-10-01.

Conditions:
TTI2-related disorder. Also called: TTI2-related condition.

Allele frequency attached by ClinVar (database versions not stated): gnomAD 0.00005; TOPMed 0.00005; ExAC 0.00008; gnomAD exomes 0.00009.

Submissions (2):

CeGaT Center for Human Genetics Tuebingen
Classification: Likely benign. Last evaluated: 2025-10-01. Review status: criteria provided, single submitter. Criteria: CeGaT Center For Human Genetics Tuebingen Variant Classification Criteria Version 2. Collection method: clinical testing. Allele origin: germline. Affected: yes. Observed: 1 variant allele.
Comment: TTI2: BP4, BP7

PreventionGenetics, part of Exact Sciences
Classification: Likely benign for TTI2-related condition. Last evaluated: 2019-08-28. Review status: no assertion criteria provided. Collection method: clinical testing. Allele origin: germline. Not counted in ClinVar's aggregate classification.
Comment: This variant is classified as likely benign based on ACMG/AMP sequence variant interpretation guidelines (Richards et al. 2015 PMID: 25741868, with internal and published modifications).